The following is an entry in ClinVar:

NM_001042492.3(NF1):c.1527T>C (p.Cys509=)

Gene: NF1 (neurofibromin 1; plus strand). Cytogenetic location: 17q11.2.
Variant type: single nucleotide variant.
Coding change: c.1527T>C on transcript NM_001042492.3 (MANE Select); coding-DNA position 1527, T replaced by C.
Protein change: p.Cys509=; no amino-acid change (cysteine 509 retained).
Molecular consequence: synonymous variant.
Genome position (GRCh38, 1-based): chr17:31,214,585, T>C. VCF-style: chr17-31214585-T-C. GRCh37 (hg19) VCF-style: chr17-29541603-T-C.
Other names: c.1527T>C, p.Cys509= (NM_000267.4, NM_001128147.3).
Identifiers: ClinVar variation 2091489 (VCV002091489.4), dbSNP rs2143960811, ClinGen allele CA499225333.

ClinVar aggregate classification (germline): Uncertain significance (1 of 4 stars; one submission).

Conditions:
Neurofibromatosis, type 1 (NF1). Also called: NEUROFIBROMATOSIS, TYPE I, SOMATIC; Neurofibromatosis, type I; Peripheral type neurofibromatosis; VON RECKLINGHAUSEN DISEASE. Identifiers: Orphanet 636, MedGen C0027831, MONDO:0018975, OMIM 162200. Disease mechanism: loss of function.

Submission:

Labcorp Genetics (formerly Invitae), Labcorp
Classification: Uncertain significance for Neurofibromatosis, type 1. Last evaluated: 2025-09-26. Review status: criteria provided, single submitter. Criteria: Invitae Variant Classification Sherloc (09022015). Collection method: clinical testing. Allele origin: germline.
Comment: This sequence change affects codon 509 of the NF1 mRNA. It is a 'silent' change, meaning that it does not change the encoded amino acid sequence of the NF1 protein. It affects a nucleotide within the consensus splice site. This variant is not present in population databases (gnomAD no frequency). This variant has not been reported in the literature in individuals affected with NF1-related conditions. ClinVar contains an entry for this variant (Variation ID: 2091489). Algorithms developed to predict the effect of sequence changes on RNA splicing suggest that this variant is not likely to affect RNA splicing. In summary, the available evidence is currently insufficient to determine the role of this variant in disease. Therefore, it has been classified as a Variant of Uncertain Significance.